The following is an entry in ClinVar:

ClinVar aggregate classification (germline): Pathogenic (1 of 4 stars; one submission).

Conditions:
Methylcobalamin deficiency type cblG (HMAG). Also called: HOMOCYSTINURIA-MEGALOBLASTIC ANEMIA, cblG COMPLEMENTATION TYPE; HOMOCYSTINURIA-MEGALOBLASTIC ANEMIA DUE TO DEFECT IN COBALAMIN METABOLISM, cblG COMPLEMENTATION TYPE; Functional methionine synthase deficiency type cblG; HOMOCYSTINURIA-MEGALOBLASTIC ANEMIA, cblG TYPE. Identifiers: Orphanet 2170, Orphanet 622, MedGen C1855128, MONDO:0009609, OMIM 250940.

Submission:

Labcorp Genetics (formerly Invitae), Labcorp
Classification: Pathogenic for Methylcobalamin deficiency type cblG. Last evaluated: 2023-07-24. Review status: criteria provided, single submitter. Criteria: Invitae Variant Classification Sherloc (09022015). Collection method: clinical testing. Allele origin: germline.
Comment: This variant is not present in population databases (gnomAD no frequency). This variant has not been reported in the literature in individuals affected with MTR-related conditions. For these reasons, this variant has been classified as Pathogenic. This sequence change creates a premature translational stop signal (p.Ser1083Argfs*12) in the MTR gene. It is expected to result in an absent or disrupted protein product. Loss-of-function variants in MTR are known to be pathogenic (PMID: 9683607, 12068375).

Literature cited by the submitters: PubMed 9683607; PubMed 12068375.

NM_000254.3(MTR):c.3247_3248del (p.Ser1083fs)

Gene: MTR (5-methyltetrahydrofolate-homocysteine methyltransferase; plus strand). Cytogenetic location: 1q43.
Variant type: Microsatellite.
Coding change: c.3247_3248del on transcript NM_000254.3 (MANE Select); coding-DNA positions 3247 to 3248, 2 bases deleted (TC; older notation c.3247_3248delTC).
Protein change: p.Ser1083fs; shifts the reading frame from serine 1083.
Molecular consequence: frameshift variant.
Genome position (GRCh38, 1-based): chr1:236,894,399-236,894,400, TC deleted; deleting any 2 consecutive bases within chr1:236,894,396-236,894,400 gives the same sequence; the c. name uses the placement nearest the transcript's 3' end. VCF-style (leftmost placement, unchanged base first): chr1-236894395-CCT-C. GRCh37 (hg19) VCF-style: chr1-237057695-CCT-C.
Other names: c.3094_3095del, p.Ser1032fs (NM_001291939.1); c.2026_2027del, p.Ser676fs (NM_001291940.2); c.3058_3059del, p.Ser1020fs (NM_001410942.1); short protein forms S1020fs, S1083fs, S1032fs, S676fs.
Identifiers: ClinVar variation 2746182 (VCV002746182.3), dbSNP rs2528522105, ClinGen allele CA2697555050.